The following is an entry in ClinVar:

NM_015557.3(CHD5):c.*9G>T

Gene: CHD5 (chromodomain helicase DNA binding protein 5; minus strand). Cytogenetic location: 1p36.31.
Variant type: single nucleotide variant.
Coding change: c.*9G>T on transcript NM_015557.3 (MANE Select); 9 bases downstream of the stop codon, G replaced by T.
Molecular consequence: 3 prime UTR variant.
Genome position (GRCh38, 1-based): chr1:6,106,271, C>A on the plus strand (G>T on the coding strand, the complement: CHD5 is on the minus strand). VCF-style: chr1-6106271-C-A. GRCh37 (hg19) VCF-style: chr1-6166331-C-A.
Identifiers: ClinVar variation 4687782 (VCV004687782.1).

ClinVar aggregate classification (germline): Uncertain significance (1 of 4 stars; one submission).

gnomAD v4.1: 1 of 1,612,796 alleles (0.000062%); highest among the groups gnomAD compares: South Asian, 0.0011%; no homozygotes.

Submission:

Women's Health and Genetics/Laboratory Corporation of America, LabCorp
Classification: Uncertain significance. Last evaluated: 2025-10-24. Review status: criteria provided, single submitter. Criteria: LabCorp Variant Classification Summary - May 2015. Collection method: clinical testing. Allele origin: germline.
Comment: Variant summary: CHD5 c.*9G>T is located in the untranslated mRNA region downstream of the termination codon. The variant was absent in 249788 control chromosomes. The available data on variant occurrences in the general population are insufficient to allow any conclusion about variant significance. To our knowledge, no occurrence of c.*9G>T in individuals affected with CHD5-related conditions and no experimental evidence demonstrating its impact on protein function have been reported. No submitters have cited clinical-significance assessments for this variant to ClinVar. Based on the evidence outlined above, the variant was classified as uncertain significance.